The following is an entry in ClinVar:

NM_130384.3(ATRIP):c.305A>G (p.Asn102Ser)

Genes: ATRIP (ATR interacting protein; plus strand), ATRIP-TREX1 (ATRIP-TREX1 readthrough; plus strand). Cytogenetic location: 3p21.31.
Variant type: single nucleotide variant.
Coding change: c.305A>G on transcript NM_130384.3 (MANE Select); coding-DNA position 305, A replaced by G.
Protein change: p.Asn102Ser; replaces asparagine 102 with serine.
Molecular consequence: missense variant. On other transcripts: non-coding transcript variant (1), 5 prime UTR variant (1).
Genome position (GRCh38, 1-based): chr3:48,450,094, A>G. VCF-style: chr3-48450094-A-G. GRCh37 (hg19) VCF-style: chr3-48491500-A-G.
Other names: c.-160A>G (NM_001271022.2); c.26A>G, p.Asn9Ser (NM_001271023.2); c.305A>G, p.Asn102Ser (NM_032166.4); short protein forms N9S, N102S.
Identifiers: ClinVar variation 3810451 (VCV003810451.1).
Genomic context (GRCh38, chr3:48,450,094, plus strand): 5'-CAGGTGATCATAAGGTCCACAGATTATTAGATGGCATGTCAAAAAATCCTTCAGGGAAAA[A>G]CAGAGAAACTGTTCCAATTAAAGATAATTTCGAATTAGAGGTACTTCAGGCACAATACAA-3'
Protein context (NP_569055.1, residues 92-112): DGMSKNPSGK[Asn102Ser]RETVPIKDNF

ClinVar aggregate classification (germline): Uncertain significance (1 of 4 stars; one submission).

Submission:

Ambry Genetics
Classification: Uncertain significance. Last evaluated: 2025-02-04. Review status: criteria provided, single submitter. Criteria: Ambry Variant Classification Scheme 2023. Collection method: clinical testing. Allele origin: germline.
Comment: The p.N102S variant (also known as c.305A>G), located in coding exon 2 of the ATRIP gene, results from an A to G substitution at nucleotide position 305. The asparagine at codon 102 is replaced by serine, an amino acid with highly similar properties. This amino acid position is conserved. In addition, this alteration is predicted to be tolerated by in silico analysis. Based on the available evidence, the clinical significance of this variant remains unclear.